The following is an entry in ClinVar:

ClinVar aggregate classification (germline): Likely benign. Review status: criteria provided, multiple submitters, no conflicts (2 of 4 stars). 2 submissions from 2 submitters: Likely benign (2). Last evaluated 2025-04-01.

Allele frequency attached by ClinVar (database versions not stated): ESP Exome Variant Server 0.00008; ExAC 0.00009.
gnomAD v4.1: 16 of 1,573,230 alleles (0.001%); highest among the groups gnomAD compares: Admixed American, 0.0055%; no homozygotes.

Submissions (2):

CeGaT Center for Human Genetics Tuebingen
Classification: Likely benign. Last evaluated: 2025-04-01. Review status: criteria provided, single submitter. Criteria: CeGaT Center For Human Genetics Tuebingen Variant Classification Criteria Version 2. Collection method: clinical testing. Allele origin: germline. Affected: yes. Observed: 1 variant allele.
Comment: TELO2: BP4, BP7

Labcorp Genetics (formerly Invitae), Labcorp
Classification: Likely benign. Last evaluated: 2023-11-20. Review status: criteria provided, single submitter. Criteria: Invitae Variant Classification Sherloc (09022015). Collection method: clinical testing. Allele origin: germline.

NM_016111.4(TELO2):c.780G>A (p.Pro260=)

Gene: TELO2 (telomere maintenance 2; plus strand). Cytogenetic location: 16p13.3.
Variant type: single nucleotide variant.
Coding change: c.780G>A on transcript NM_016111.4 (MANE Select); coding-DNA position 780, G replaced by A.
Protein change: p.Pro260=; no amino-acid change (proline 260 retained).
Molecular consequence: synonymous variant.
Genome position (GRCh38, 1-based): chr16:1,497,458, G>A. VCF-style: chr16-1497458-G-A. GRCh37 (hg19) VCF-style: chr16-1547459-G-A.
Other names: c.780G>A, p.Pro260= (NM_001351846.2).
Identifiers: ClinVar variation 2885966 (VCV002885966.10), dbSNP rs150053866, ClinGen allele CA7811785.